The following is an entry in ClinVar:

NM_003334.4(UBA1):c.1150C>T (p.Arg384Trp)

Gene: UBA1 (ubiquitin like modifier activating enzyme 1; plus strand). Cytogenetic location: Xp11.3.
Variant type: single nucleotide variant.
Coding change: c.1150C>T on transcript NM_003334.4 (MANE Select); coding-DNA position 1150, C replaced by T.
Protein change: p.Arg384Trp; replaces arginine 384 with tryptophan.
Molecular consequence: missense variant.
Genome position (GRCh38, 1-based): chrX:47,202,731, C>T. VCF-style: chrX-47202731-C-T. GRCh37 (hg19) VCF-style: chrX-47062130-C-T.
Other names: c.1150C>T (NM_003334.3); c.1150C>T, p.Arg384Trp (NM_153280.3); short protein forms R384W.
Identifiers: ClinVar variation 1006087 (VCV001006087.33), dbSNP rs148642741, ClinGen allele CA10395852.

ClinVar aggregate classification (germline): Conflicting classifications of pathogenicity. Review status: criteria provided, conflicting classifications (1 of 4 stars). 4 submissions from 4 submitters: Uncertain significance (3); Likely benign (1). Last evaluated 2025-08-18.

Conditions:
Inborn genetic diseases. Identifiers: MedGen C0950123, MeSH D030342.
Infantile-onset X-linked spinal muscular atrophy. Also called: Spinal muscular atrophy, X-linked 2; AMC, DISTAL, X-LINKED; ARTHROGRYPOSIS, X-LINKED, TYPE I; Spinal Muscular Atrophy, X-Linked Infantile; SPINAL MUSCULAR ATROPHY, X-LINKED LETHAL INFANTILE. Identifiers: Orphanet 1145, MedGen C1844934, MONDO:0010532, OMIM 301830.

Allele frequency attached by ClinVar (database versions not stated): gnomAD 0.00002; gnomAD exomes 0.00002 and 0.00004; ExAC 0.00004; TOPMed 0.00004; ESP Exome Variant Server 0.00019; 1000 Genomes Project 30x 0.00021; 1000 Genomes Project 0.00026.
gnomAD v4.1: 27 of 1,209,840 alleles (0.0022%); highest among the groups gnomAD compares: Middle Eastern, 0.023%; no homozygotes.

Submissions (4):

Labcorp Genetics (formerly Invitae), Labcorp
Classification: Uncertain significance for Infantile-onset X-linked spinal muscular atrophy. Last evaluated: 2025-08-18. Review status: criteria provided, single submitter. Criteria: Invitae Variant Classification Sherloc (09022015). Collection method: clinical testing. Allele origin: germline.
Comment: This sequence change replaces arginine, which is basic and polar, with tryptophan, which is neutral and slightly polar, at codon 384 of the UBA1 protein (p.Arg384Trp). This variant is present in population databases (rs148642741, gnomAD 0.007%). This variant has not been reported in the literature in individuals affected with UBA1-related conditions. ClinVar contains an entry for this variant (Variation ID: 1006087). An algorithm developed to predict the effect of missense changes on protein structure and function (PolyPhen-2) suggests that this variant is likely to be disruptive. In summary, the available evidence is currently insufficient to determine the role of this variant in disease. Therefore, it has been classified as a Variant of Uncertain Significance.

CeGaT Center for Human Genetics Tuebingen
Classification: Likely benign. Last evaluated: 2024-09-01. Review status: criteria provided, single submitter. Criteria: CeGaT Center For Human Genetics Tuebingen Variant Classification Criteria Version 2. Collection method: clinical testing. Allele origin: germline. Affected: yes. Observed: 2 variant alleles.
Comment: UBA1: BS2

Ambry Genetics
Classification: Uncertain significance for Inborn genetic diseases. Last evaluated: 2024-01-29. Review status: criteria provided, single submitter. Criteria: Ambry Variant Classification Scheme 2023. Collection method: clinical testing. Allele origin: germline.

Blueprint Genetics
Classification: Uncertain significance. Last evaluated: 2023-11-28. Review status: criteria provided, single submitter. Criteria: ACMG Guidelines, 2015. Collection method: clinical testing. Allele origin: germline.